The following is an entry in ClinVar:

ClinVar aggregate classification (germline): Likely benign. Review status: criteria provided, multiple submitters, no conflicts (2 of 4 stars). 2 submissions from 2 submitters: Likely benign (2). Last evaluated 2026-01-26.

Allele frequency attached by ClinVar (database versions not stated): gnomAD exomes 0.00018; ExAC 0.00021; ESP Exome Variant Server 0.00069; gnomAD 0.00099; 1000 Genomes Project 0.00120; 1000 Genomes Project 30x 0.00125.
gnomAD v4.1: 240 of 1,613,572 alleles (0.015%); highest among the groups gnomAD compares: African/African-American, 0.28%; no homozygotes.

Submissions (2):

Labcorp Genetics (formerly Invitae), Labcorp
Classification: Likely benign. Last evaluated: 2026-01-26. Review status: criteria provided, single submitter. Criteria: Invitae Variant Classification Sherloc (09022015). Collection method: clinical testing. Allele origin: germline.

GeneDx
Classification: Likely benign. Last evaluated: 2018-06-18. Review status: criteria provided, single submitter. Criteria: GeneDx Variant Classification (06012015). Collection method: clinical testing. Allele origin: germline. Affected: yes.
Comment: This variant is considered likely benign or benign based on one or more of the following criteria: it is a conservative change, it occurs at a poorly conserved position in the protein, it is predicted to be benign by multiple in silico algorithms, and/or has population frequency not consistent with disease.

NM_203486.3(DLL3):c.372C>T (p.Ile124=)

Gene: DLL3 (delta like canonical Notch ligand 3; plus strand). Cytogenetic location: 19q13.2.
Variant type: single nucleotide variant.
Coding change: c.372C>T on transcript NM_203486.3 (MANE Select); coding-DNA position 372, C replaced by T.
Protein change: p.Ile124=; no amino-acid change (isoleucine 124 retained).
Molecular consequence: synonymous variant.
Genome position (GRCh38, 1-based): chr19:39,500,635, C>T. VCF-style: chr19-39500635-C-T. GRCh37 (hg19) VCF-style: chr19-39991275-C-T.
Other names: c.372C>T, p.Ile124= (NM_016941.4).
Identifiers: ClinVar variation 672989 (VCV000672989.10), dbSNP rs143468961, ClinGen allele CA9432176.